The following is an entry in ClinVar:

NM_032043.3(BRIP1):c.3728_3730delinsTCC (p.Gly1243_Met1244delinsValLeu)

Gene: BRIP1 (BRCA1 interacting DNA helicase 1; minus strand). Cytogenetic location: 17q23.2.
Variant type: Indel.
Coding change: c.3728_3730delinsTCC on transcript NM_032043.3 (MANE Select); coding-DNA positions 3728 to 3730, GCA replaced by TCC.
Protein change: p.Gly1243_Met1244delinsValLeu.
Molecular consequence: missense variant.
Genome position (GRCh38, 1-based): chr17:61,683,316-61,683,318, TGC replaced by GGA on the plus strand (GCA replaced by TCC on the coding strand, the reverse complement: BRIP1 is on the minus strand). VCF-style: chr17-61683316-TGC-GGA. GRCh37 (hg19) VCF-style: chr17-59760677-TGC-GGA.
Identifiers: ClinVar variation 530345 (VCV000530345.18), dbSNP rs1555572426, ClinGen allele CA658798921.

ClinVar aggregate classification (germline): Uncertain significance. Review status: criteria provided, multiple submitters, no conflicts (2 of 4 stars). 4 submissions from 4 submitters: Uncertain significance (4). Last evaluated 2025-10-14.

Conditions:
Hereditary cancer-predisposing syndrome. Also called: Neoplastic Syndromes, Hereditary; Hereditary neoplastic syndrome; Tumor predisposition; Hereditary Cancer Syndrome. Identifiers: Orphanet 140162, MedGen C0027672, MeSH D009386, MONDO:0015356.
Fanconi anemia complementation group J. Also called: BRIP1-Related Fanconi Anemia. Identifiers: Orphanet 84, MedGen C1836860, MONDO:0012187, OMIM 609054.
Familial cancer of breast. Also called: BREAST CANCER, FAMILIAL; hereditary breast carcinoma; Hereditary breast cancer. Identifiers: Orphanet 227535, MedGen C0346153, MONDO:0016419, OMIM 114480. Disease mechanism: loss of function.

Submissions (4):

Ambry Genetics
Classification: Uncertain significance for Hereditary cancer-predisposing syndrome. Last evaluated: 2025-10-14. Review status: criteria provided, single submitter. Criteria: Ambry Variant Classification Scheme 2023. Collection method: clinical testing. Allele origin: germline.
Comment: The c.3728_3730delGCAinsTCC variant (also known as p.G1243_M1244delinsVL), located in coding exon 19 of the BRIP1 gene, results from an in-frame deletion of GCA and insertion of TCC at nucleotide positions 3728 to 3730. This results in the substitution of the glycine and methionine residues for a valine and a leucine residue at codons 1243 to 1244. This amino acid region is poorly conserved in available vertebrate species. In addition, this alteration is predicted to be neutral by in silico analysis (Choi Y et al. PLoS ONE. 2012; 7(10):e46688). Based on the available evidence, the clinical significance of this variant remains unclear.

Color Diagnostics, LLC DBA Color Health
Classification: Uncertain significance for Hereditary cancer-predisposing syndrome. Last evaluated: 2024-03-06. Review status: criteria provided, single submitter. Criteria: ACMG Guidelines, 2015. Collection method: clinical testing. Allele origin: germline.
Comment: This variant causes the substitution of two amino acids, glycine and methionine, with valine and leucine at codon 1243 and 1244, respectively, of the BRIP1 protein. To our knowledge, functional studies have not been performed for this variant. This variant has not been reported in individuals affected with hereditary cancer in the literature. This variant has not been identified in the general population by the Genome Aggregation Database (gnomAD). The available evidence is insufficient to determine the role of this variant in disease conclusively. Therefore, this variant is classified as a Variant of Uncertain Significance.

Labcorp Genetics (formerly Invitae), Labcorp
Classification: Uncertain significance for Familial cancer of breast; Fanconi anemia complementation group J. Last evaluated: 2021-02-21. Review status: criteria provided, single submitter. Criteria: Invitae Variant Classification Sherloc (09022015). Collection method: clinical testing. Allele origin: germline.
Comment: In summary, the available evidence is currently insufficient to determine the role of this variant in disease. Therefore, it has been classified as a Variant of Uncertain Significance. This variant, c.3728_3730delinsTCC, is a complex sequence change that results in the deletion of 2 amino acids and insertion of another 2 amino acids of the BRIP1 protein (p.Gly1243_Met1244delinsValLeu). This variant is reported as two separate single-nucleotide changes in population databases (c.3728G>T, ExAC 0.002% and c.3730A>C, ExAC 0.002%). However, in the read data for 1/120838 individuals displayed in the ExAC browser, these two variants are in cis. This recapitulates the variant observed here (c.3728_3730delinsTCC) and indicates that this variant is very likely present in the population databases at 0.002%. This variant has not been reported in the literature in individuals with BRIP1-related disease. ClinVar contains an entry for this variant (Variation ID: 530345). Experimental studies and prediction algorithms are not available for this variant, and the functional significance of the altered amino acids is currently unknown.

GeneDx
Classification: Uncertain significance. Last evaluated: 2019-11-21. Review status: criteria provided, single submitter. Criteria: GeneDx Variant Classification Process June 2021. Collection method: clinical testing. Allele origin: germline. Affected: yes.
Comment: Has not been previously published as pathogenic or benign to our knowledge; In silico analysis, which includes protein predictors and evolutionary conservation, supports that this variant does not alter protein structure/function; Not observed at a significant frequency in large population cohorts (Lek 2016)